The following is an entry in ClinVar:

ClinVar aggregate classification (germline): Benign. Review status: criteria provided, multiple submitters, no conflicts (2 of 4 stars). 4 submissions from 3 submitters: Benign (4). Last evaluated 2022-02-05.

Conditions:
Inflammatory bowel disease 1 (IBD1). Also called: Inflammatory bowel disease 1, Crohn disease; INFLAMMATORY BOWEL DISEASE (CROHN DISEASE) 1. Identifiers: MedGen CN260071, MONDO:0009960, OMIM 266600.
Autoinflammatory syndrome. Identifiers: Orphanet 93665, MedGen C3890737, MONDO:0019751.
Blau syndrome (BLAUS). Also called: ARTHROCUTANEOUVEAL GRANULOMATOSIS; GRANULOMATOSIS, FAMILIAL JUVENILE SYSTEMIC; GRANULOMATOSIS, FAMILIAL, BLAU TYPE; GRANULOMATOUS INFLAMMATORY ARTHRITIS, DERMATITIS, AND UVEITIS, FAMILIAL; JABS SYNDROME. Identifiers: Orphanet 90340, MedGen C5201146, MONDO:0008523, OMIM 186580.

Allele frequency attached by ClinVar (database versions not stated): 1000 Genomes Project 0.35224; 1000 Genomes Project 30x 0.35759; gnomAD 0.43497 and 0.44678; TOPMed 0.44007; gnomAD exomes 0.47059.
gnomAD v4.1: 66,219 of 152,212 alleles (44%); highest among the groups gnomAD compares: African/African-American, 56%; 15,049 homozygotes.

Submissions (4):

Genome Diagnostics Laboratory, The Hospital for Sick Children
Classification: Benign for Autoinflammatory syndrome. Last evaluated: 2022-02-05. Review status: criteria provided, single submitter. Criteria: ACMG Guidelines, 2015. Collection method: clinical testing. Allele origin: germline. Affected: yes.

Illumina Laboratory Services, Illumina
Classification: Benign for Blau syndrome. Last evaluated: 2018-01-13. Review status: criteria provided, single submitter. Criteria: ICSL Variant Classification Criteria 13 December 2019. Collection method: clinical testing. Allele origin: germline.
Comment: This variant was observed in the ICSL laboratory as part of a predisposition screen in an ostensibly healthy population. It had not been previously curated by ICSL or reported in the Human Gene Mutation Database (HGMD: prior to June 1st, 2018), and was therefore a candidate for classification through an automated scoring system. Utilizing variant allele frequency, disease prevalence and penetrance estimates, and inheritance mode, an automated score was calculated to assess if this variant is too frequent to cause the disease. Based on the score and internal cut-off values, a variant classified as benign is not then subjected to further curation. The score for this variant resulted in a classification of benign for this disease.

Illumina Laboratory Services, Illumina
Classification: Benign for Inflammatory bowel disease 1. Last evaluated: 2018-01-13. Review status: criteria provided, single submitter. Criteria: ICSL Variant Classification Criteria 13 December 2019. Collection method: clinical testing. Allele origin: germline.
Comment: the same text as in the submission from Illumina Laboratory Services, Illumina above.

Breakthrough Genomics
Classification: Benign. Review status: criteria provided, single submitter. Criteria: ACMG Guidelines, 2015. Collection method: not provided. Allele origin: germline. Inheritance: Multifactorial inheritance. Affected: yes.

NM_001370466.1(NOD2):c.*1156G>A

Genes: NOD2 (nucleotide binding oligomerization domain containing 2; plus strand), CYLD-AS1 (CYLD antisense RNA 1; minus strand). Cytogenetic location: 16q12.1.
Variant type: single nucleotide variant.
Coding change: c.*1156G>A on transcript NM_001370466.1 (MANE Select); 1156 bases downstream of the stop codon, G replaced by A.
Molecular consequence: 3 prime UTR variant. On other transcripts: non-coding transcript variant (1).
Genome position (GRCh38, 1-based): chr16:50,732,975, G>A. VCF-style: chr16-50732975-G-A. GRCh37 (hg19) VCF-style: chr16-50766886-G-A.
Other names: c.*1156G>A (LRG_177t1, NM_001293557.2, NM_022162.3).
Identifiers: ClinVar variation 319492 (VCV000319492.11), dbSNP rs3135500, ClinGen allele CA10643731.